The following is an entry in ClinVar:

NM_001366157.1(WDR49):c.339G>A (p.Glu113=)

Gene: WDR49 (WD repeat domain 49; minus strand). Cytogenetic location: 3q26.1.
Variant type: single nucleotide variant.
Coding change: c.339G>A on transcript NM_001366157.1 (MANE Select); coding-DNA position 339, G replaced by A.
Protein change: p.Glu113=; no amino-acid change (glutamic acid 113 retained).
Molecular consequence: synonymous variant. On other transcripts: intron variant (1).
Genome position (GRCh38, 1-based): chr3:167,627,119, C>T on the plus strand (G>A on the coding strand, the complement: WDR49 is on the minus strand). VCF-style: chr3-167627119-C-T. GRCh37 (hg19) VCF-style: chr3-167344907-C-T.
Other names: c.339G>A, p.Glu113= (NM_001348951.2, NM_001348952.2); c.-65-22651G>A (NM_001366158.1).
Identifiers: ClinVar variation 2654266 (VCV002654266.24), dbSNP rs2475514182, ClinGen allele CA2668445219.
Genomic context (GRCh38, chr3:167,627,119, plus strand): 5'-TTCAAGGTCCTTCCACTGGGGCACCACAGTTGCCTTTGCTCGTTCATCTTGCTCATAAAG[C>T]TCTAGCAGTATAAATGAAGTCAGCTTGTCCCAATTAATGAAGCCATCTTGGGCCACATCC-3'
Protein context (NP_001353086.1, residues 103-123): WDKLTSFILL[Glu113=]LYEQDERAKA

ClinVar aggregate classification (germline): Likely benign (1 of 4 stars; one submission).

Allele frequency attached by ClinVar (database versions not stated): gnomAD exomes below 0.00001.
gnomAD v4.1: 1 of 1,280,572 alleles (0.000078%); highest among the groups gnomAD compares: Non-Finnish European, 0.000099%; no homozygotes.

Submission:

CeGaT Center for Human Genetics Tuebingen
Classification: Likely benign. Last evaluated: 2022-12-01. Review status: criteria provided, single submitter. Criteria: CeGaT Center For Human Genetics Tuebingen Variant Classification Criteria Version 2. Collection method: clinical testing. Allele origin: germline. Affected: yes. Observed: 1 variant allele.
Comment: WDR49: PM2:Supporting, BP4, BP7